The following is an entry in ClinVar:

NM_005529.7(HSPG2):c.1557G>A (p.Leu519=)

Gene: HSPG2 (heparan sulfate proteoglycan 2; minus strand). Cytogenetic location: 1p36.12.
Variant type: single nucleotide variant.
Coding change: c.1557G>A on transcript NM_005529.7 (MANE Select); coding-DNA position 1557, G replaced by A.
Protein change: p.Leu519=; no amino-acid change (leucine 519 retained).
Molecular consequence: synonymous variant.
Genome position (GRCh38, 1-based): chr1:21,884,625, C>T on the plus strand (G>A on the coding strand, the complement: HSPG2 is on the minus strand). VCF-style: chr1-21884625-C-T. GRCh37 (hg19) VCF-style: chr1-22211118-C-T.
Other names: c.1560G>A, p.Leu520= (NM_001291860.2); c.1557G>A (NM_005529.5).
Identifiers: ClinVar variation 774794 (VCV000774794.24), dbSNP rs149710901, ClinGen allele CA673386.

ClinVar aggregate classification (germline): Conflicting classifications of pathogenicity. Review status: criteria provided, conflicting classifications (1 of 4 stars). 7 submissions from 7 submitters: Uncertain significance (2); Likely benign (4). 1 of the submissions does not count toward it. Last evaluated 2025-12-29.

Conditions:
HSPG2-related disorder. Also called: HSPG2-related condition; HSPG2-related disorders.
Connective tissue disorder. Also called: Connective tissue disease. Identifiers: MedGen C0009782, MONDO:0003900.

Allele frequency attached by ClinVar (database versions not stated): gnomAD exomes 0.00041 and 0.00070; ExAC 0.00042; gnomAD 0.00051 and 0.00052; TOPMed 0.00075; ESP Exome Variant Server 0.00100.
gnomAD v4.1: 1,096 of 1,611,090 alleles (0.068%); highest among the groups gnomAD compares: Non-Finnish European, 0.086%; 1 homozygote.

Submissions (7):

Labcorp Genetics (formerly Invitae), Labcorp
Classification: Likely benign. Last evaluated: 2025-12-29. Review status: criteria provided, single submitter. Criteria: Invitae Variant Classification Sherloc (09022015). Collection method: clinical testing. Allele origin: germline.

Blueprint Genetics
Classification: Likely benign. Last evaluated: 2024-11-25. Review status: criteria provided, single submitter. Criteria: ACMG Guidelines, 2015. Collection method: clinical testing. Allele origin: germline.

GeneDx
Classification: Uncertain significance. Last evaluated: 2024-08-09. Review status: criteria provided, single submitter. Criteria: GeneDx Variant Classification Process June 2021. Collection method: clinical testing. Allele origin: germline. Affected: yes.
Comment: Has not been previously published as pathogenic or benign to our knowledge; In silico analysis suggests this variant may impact gene splicing. In the absence of RNA/functional studies, the actual effect of this sequence change is unknown.

Athena Diagnostics
Classification: Likely benign. Last evaluated: 2024-04-15. Review status: criteria provided, single submitter. Criteria: Athena Diagnostics Criteria. Collection method: clinical testing. Allele origin: unknown.

Genome Diagnostics Laboratory, The Hospital for Sick Children
Classification: Uncertain significance for Connective tissue disorder. Last evaluated: 2021-06-04. Review status: criteria provided, single submitter. Criteria: ACMG Guidelines, 2015. Collection method: clinical testing. Allele origin: germline.

ARUP Laboratories, Molecular Genetics and Genomics, ARUP Laboratories
Classification: Likely benign. Last evaluated: 2019-06-06. Review status: criteria provided, single submitter. Criteria: ARUP Molecular Germline Variant Investigation Process. Collection method: clinical testing. Allele origin: germline.

PreventionGenetics, part of Exact Sciences
Classification: Likely benign for HSPG2-related condition. Last evaluated: 2019-08-14. Review status: no assertion criteria provided. Collection method: clinical testing. Allele origin: germline. Not counted in ClinVar's aggregate classification.
Comment: This variant is classified as likely benign based on ACMG/AMP sequence variant interpretation guidelines (Richards et al. 2015 PMID: 25741868, with internal and published modifications).